The following is an entry in ClinVar:

NM_006912.6(RIT1):c.615G>T (p.Lys205Asn)

Gene: RIT1 (Ras like without CAAX 1; minus strand). Cytogenetic location: 1q22.
Variant type: single nucleotide variant.
Coding change: c.615G>T on transcript NM_006912.6 (MANE Select); coding-DNA position 615, G replaced by T.
Protein change: p.Lys205Asn; replaces lysine 205 with asparagine.
Molecular consequence: missense variant.
Genome position (GRCh38, 1-based): chr1:155,900,433, C>A on the plus strand (G>T on the coding strand, the complement: RIT1 is on the minus strand). VCF-style: chr1-155900433-C-A. GRCh37 (hg19) VCF-style: chr1-155870224-C-A.
Other names: c.666G>T (NM_001256821.1); c.507G>T, p.Lys169Asn (NM_001256820.2); c.666G>T, p.Lys222Asn (NM_001256821.2); short protein forms K205N, K169N, K222N.
Identifiers: ClinVar variation 1751944 (VCV001751944.3), dbSNP rs1353727875, ClinGen allele CA342800771.

ClinVar aggregate classification (germline): Uncertain significance. Review status: criteria provided, multiple submitters, no conflicts (2 of 4 stars). 2 submissions from 2 submitters: Uncertain significance (2). Last evaluated 2026-03-17.

Conditions:
RIT1-related disorder. Also called: RIT1-related condition.
Cardiovascular phenotype. Identifiers: MedGen CN230736.

Allele frequency attached by ClinVar (database versions not stated): gnomAD exomes 0.00002.

Submissions (2):

PreventionGenetics, part of Exact Sciences
Classification: Uncertain significance for RIT1-related condition. Last evaluated: 2026-03-17. Review status: criteria provided, single submitter. Criteria: ACMG Guidelines, 2015. Collection method: clinical testing. Allele origin: germline.
Comment: The RIT1 c.666G>T variant is predicted to result in the amino acid substitution p.Lys222Asn. To our knowledge, this variant has not been reported in the literature. This variant is reported in 0.00088% of alleles in individuals of European (Non-Finnish) descent in gnomAD. At this time, the clinical significance of this variant is uncertain due to the absence of conclusive functional and genetic evidence.

Ambry Genetics
Classification: Uncertain significance for Cardiovascular phenotype. Last evaluated: 2019-10-02. Review status: criteria provided, single submitter. Criteria: Ambry Variant Classification Scheme 2023. Collection method: clinical testing. Allele origin: germline.
Comment: The p.K205N variant (also known as c.615G>T), located in coding exon 5 of the RIT1 gene, results from a G to T substitution at nucleotide position 615. The lysine at codon 205 is replaced by asparagine, an amino acid with similar properties. This amino acid position is well conserved in available vertebrate species. In addition, this alteration is predicted to be tolerated by in silico analysis. Since supporting evidence is limited at this time, the clinical significance of this alteration remains unclear.